The following is an entry in ClinVar:

NM_006260.5(DNAJC3):c.1209-7C>A

Gene: DNAJC3 (DnaJ heat shock protein family (Hsp40) member C3; plus strand). Cytogenetic location: 13q32.1.
Variant type: single nucleotide variant.
Coding change: c.1209-7C>A on transcript NM_006260.5 (MANE Select); 7 bases into the intron before coding-DNA position 1209, C replaced by A.
Molecular consequence: intron variant.
Genome position (GRCh38, 1-based): chr13:95,787,000, C>A. VCF-style: chr13-95787000-C-A. GRCh37 (hg19) VCF-style: chr13-96439254-C-A.
Identifiers: ClinVar variation 729416 (VCV000729416.5), dbSNP rs202072148, ClinGen allele CA7021564.

ClinVar aggregate classification (germline): Likely benign. Review status: criteria provided, multiple submitters, no conflicts (2 of 4 stars). 2 submissions from 2 submitters: Likely benign (2). Last evaluated 2024-12-13.

Conditions:
DNAJC3-related disorder. Also called: DNAJC3-related condition.

Allele frequency attached by ClinVar (database versions not stated): TOPMed 0.00028; ESP Exome Variant Server 0.00038; gnomAD 0.00061 and 0.00065.
gnomAD v4.1: 725 of 1,599,776 alleles (0.045%); highest among the groups gnomAD compares: Non-Finnish European, 0.042%; no homozygotes.

Submissions (2):

PreventionGenetics, part of Exact Sciences
Classification: Likely benign for DNAJC3-related condition. Last evaluated: 2024-12-13. Review status: criteria provided, single submitter. Criteria: ACMG Guidelines, 2015. Collection method: clinical testing. Allele origin: germline.
Comment: This variant is classified as likely benign based on ACMG/AMP sequence variant interpretation guidelines (Richards et al. 2015 PMID: 25741868, with internal and published modifications).

Labcorp Genetics (formerly Invitae), Labcorp
Classification: Likely benign. Last evaluated: 2019-12-31. Review status: criteria provided, single submitter. Criteria: Invitae Variant Classification Sherloc (09022015). Collection method: clinical testing. Allele origin: germline.